The following is an entry in ClinVar:

ClinVar aggregate classification (germline): Uncertain significance (1 of 4 stars; one submission).

Submission:

Labcorp Genetics (formerly Invitae), Labcorp
Classification: Uncertain significance. Last evaluated: 2022-08-22. Review status: criteria provided, single submitter. Criteria: Invitae Variant Classification Sherloc (09022015). Collection method: clinical testing. Allele origin: germline.
Comment: This sequence change replaces proline, which is neutral and non-polar, with leucine, which is neutral and non-polar, at codon 2592 of the HMCN1 protein (p.Pro2592Leu). This variant is not present in population databases (gnomAD no frequency). This variant has not been reported in the literature in individuals affected with HMCN1-related conditions. Algorithms developed to predict the effect of missense changes on protein structure and function are either unavailable or do not agree on the potential impact of this missense change (SIFT: "Deleterious"; PolyPhen-2: "Probably Damaging"; Align-GVGD: "Class C15"). In summary, the available evidence is currently insufficient to determine the role of this variant in disease. Therefore, it has been classified as a Variant of Uncertain Significance.

NM_031935.3(HMCN1):c.7775C>T (p.Pro2592Leu)

Gene: HMCN1 (hemicentin 1; plus strand). Cytogenetic location: 1q31.1.
Variant type: single nucleotide variant.
Coding change: c.7775C>T on transcript NM_031935.3 (MANE Select); coding-DNA position 7775, C replaced by T.
Protein change: p.Pro2592Leu; replaces proline 2592 with leucine.
Molecular consequence: missense variant.
Genome position (GRCh38, 1-based): chr1:186,067,903, C>T. VCF-style: chr1-186067903-C-T. GRCh37 (hg19) VCF-style: chr1-186037035-C-T.
Other names: short protein forms P2592L.
Identifiers: ClinVar variation 1972340 (VCV001972340.5), dbSNP rs2527788271, ClinGen allele CA343908343.